The following is an entry in ClinVar:

NM_001388492.1(HTT):c.1262T>C (p.Val421Ala)

Gene: HTT (huntingtin; plus strand). Cytogenetic location: 4p16.3.
Variant type: single nucleotide variant.
Coding change: c.1262T>C on transcript NM_001388492.1 (MANE Select); coding-DNA position 1262, T replaced by C.
Protein change: p.Val421Ala; replaces valine 421 with alanine.
Molecular consequence: missense variant.
Genome position (GRCh38, 1-based): chr4:3,121,421, T>C. VCF-style: chr4-3121421-T-C. GRCh37 (hg19) VCF-style: chr4-3123148-T-C.
Other names: c.1268T>C, p.Val423Ala (NM_002111.8); short protein forms V423A, V421A.
Identifiers: ClinVar variation 1429113 (VCV001429113.6), dbSNP rs1715290651, ClinGen allele CA356071118.

ClinVar aggregate classification (germline): Uncertain significance (1 of 4 stars; one submission).

Allele frequency attached by ClinVar (database versions not stated): gnomAD exomes below 0.00001; TOPMed below 0.00001.
gnomAD v4.1: 1 of 1,612,916 alleles (0.000062%); highest among the groups gnomAD compares: Non-Finnish European, 0.000085%; no homozygotes.

Submission:

Labcorp Genetics (formerly Invitae), Labcorp
Classification: Uncertain significance. Last evaluated: 2021-03-20. Review status: criteria provided, single submitter. Criteria: Invitae Variant Classification Sherloc (09022015). Collection method: clinical testing. Allele origin: germline.
Comment: In summary, the available evidence is currently insufficient to determine the role of this variant in disease. Therefore, it has been classified as a Variant of Uncertain Significance. Experimental studies and prediction algorithms are not available or were not evaluated, and the functional significance of this variant is currently unknown. This variant has not been reported in the literature in individuals with HTT-related conditions. This variant is not present in population databases (ExAC no frequency). This sequence change replaces valine with alanine at codon 423 of the HTT protein (p.Val423Ala). The valine residue is moderately conserved and there is a small physicochemical difference between valine and alanine.